The following is an entry in ClinVar:

NM_000426.4(LAMA2):c.3872T>C (p.Met1291Thr)

Gene: LAMA2 (laminin subunit alpha 2; plus strand). Cytogenetic location: 6q22.33.
Variant type: single nucleotide variant.
Coding change: c.3872T>C on transcript NM_000426.4 (MANE Select); coding-DNA position 3872, T replaced by C.
Protein change: p.Met1291Thr; replaces methionine 1291 with threonine.
Molecular consequence: missense variant.
Genome position (GRCh38, 1-based): chr6:129,315,898, T>C. VCF-style: chr6-129315898-T-C. GRCh37 (hg19) VCF-style: chr6-129637043-T-C.
Other names: c.3872T>C, p.Met1291Thr (NM_001079823.2); short protein forms M1291T.
Identifiers: ClinVar variation 2656904 (VCV002656904.24), dbSNP rs752166522, ClinGen allele CA3993378.

ClinVar aggregate classification (germline): Likely benign (1 of 4 stars; one submission).

Allele frequency attached by ClinVar (database versions not stated): gnomAD exomes below 0.00001; ExAC 0.00002.

Submission:

CeGaT Center for Human Genetics Tuebingen
Classification: Likely benign. Last evaluated: 2023-01-01. Review status: criteria provided, single submitter. Criteria: CeGaT Center For Human Genetics Tuebingen Variant Classification Criteria Version 2. Collection method: clinical testing. Allele origin: germline. Affected: yes. Observed: 1 variant allele.
Comment: LAMA2: BP4